The following is an entry in ClinVar:

NM_181552.4(CUX1):c.461A>C (p.Lys154Thr)

Gene: CUX1 (cut like homeobox 1; plus strand). Cytogenetic location: 7q22.1.
Variant type: single nucleotide variant.
Coding change: c.461A>C on transcript NM_181552.4 (MANE Select); coding-DNA position 461, A replaced by C.
Protein change: p.Lys154Thr; replaces lysine 154 with threonine.
Molecular consequence: missense variant.
Genome position (GRCh38, 1-based): chr7:102,104,390, A>C. VCF-style: chr7-102104390-A-C. GRCh37 (hg19) VCF-style: chr7-101747670-A-C.
Other names: c.494A>C, p.Lys165Thr (NM_001202543.2, NM_001913.5, NM_181500.4); c.446A>C, p.Lys149Thr (NM_001202544.3); c.356A>C, p.Lys119Thr (NM_001202545.3); c.383A>C, p.Lys128Thr (NM_001202546.3); short protein forms K119T, K128T, K149T, K154T, K165T.
Identifiers: ClinVar variation 2637088 (VCV002637088.1), dbSNP rs2536730751, ClinGen allele CA368664897.

ClinVar aggregate classification (germline): Uncertain significance (1 of 4 stars; one submission).

Conditions:
CUX1-related disorder. Also called: CUX1-related condition.

Submission:

PreventionGenetics, part of Exact Sciences
Classification: Uncertain significance for CUX1-related condition. Last evaluated: 2022-09-20. Review status: criteria provided, single submitter. Criteria: ACMG Guidelines, 2015. Collection method: clinical testing. Allele origin: germline.
Comment: The CUX1 c.494A>C variant is predicted to result in the amino acid substitution p.Lys165Thr. To our knowledge, this variant has not been reported in the literature or in a large population database, indicating this variant is rare. At this time, the clinical significance of this variant is uncertain due to the absence of conclusive functional and genetic evidence.